The following is an entry in ClinVar:

NM_000061.3(BTK):c.83G>T (p.Arg28Leu)

Gene: BTK (Bruton tyrosine kinase; minus strand). Cytogenetic location: Xq22.1.
Variant type: single nucleotide variant.
Coding change: c.83G>T on transcript NM_000061.3 (MANE Select); coding-DNA position 83, G replaced by T.
Protein change: p.Arg28Leu; replaces arginine 28 with leucine.
Molecular consequence: missense variant.
Genome position (GRCh38, 1-based): chrX:101,375,202, C>A on the plus strand (G>T on the coding strand, the complement: BTK is on the minus strand). VCF-style: chrX-101375202-C-A. GRCh37 (hg19) VCF-style: chrX-100630190-C-A.
Other names: c.185G>T, p.Arg62Leu (NM_001287344.2); c.83G>T, p.Arg28Leu (NM_001287345.2); short protein forms R28L, R62L.
Identifiers: ClinVar variation 1075550 (VCV001075550.10), dbSNP rs128620185, ClinGen allele CA413939515.

ClinVar aggregate classification (germline): Pathogenic/Likely pathogenic. Review status: criteria provided, multiple submitters, no conflicts (2 of 4 stars). 2 submissions from 2 submitters: Pathogenic (1); Likely pathogenic (1). Last evaluated 2025-11-03.

Conditions:
X-linked agammaglobulinemia (XLA). Also called: Bruton-type agammaglobulinemia; IMMUNODEFICIENCY 1; Agammaglobulinemia, Bruton tyrosine kinase; Agammaglobulinemia, BTK; BTK-deficiency; AGAMMAGLOBULINEMIA, X-LINKED, TYPE 1. Identifiers: Orphanet 229717, Orphanet 47, MedGen C0221026, MONDO:0010421, OMIM 300755.
X-linked agammaglobulinemia with growth hormone deficiency (IGHD3). Also called: AGAMMAGLOBULINEMIA AND ISOLATED GROWTH HORMONE DEFICIENCY, X-LINKED; FLEISHER SYNDROME; HYPOGAMMAGLOBULINEMIA AND ISOLATED GROWTH HORMONE DEFICIENCY, X-LINKED; IGHD III; ISOLATED GROWTH HORMONE DEFICIENCY, TYPE III, WITH AGAMMAGLOBULINEMIA; Isolated growth hormone deficiency type 3. Identifiers: Orphanet 231692, Orphanet 631, MedGen C0472813, MONDO:0010615, OMIM 307200.

Submissions (2):

Labcorp Genetics (formerly Invitae), Labcorp
Classification: Pathogenic for X-linked agammaglobulinemia with growth hormone deficiency. Last evaluated: 2025-11-03. Review status: criteria provided, single submitter. Criteria: Invitae Variant Classification Sherloc (09022015). Collection method: clinical testing. Allele origin: germline.
Comment: This sequence change replaces arginine, which is basic and polar, with leucine, which is neutral and non-polar, at codon 28 of the BTK protein (p.Arg28Leu). This variant is not present in population databases (gnomAD no frequency). This missense change has been observed in individuals with agammaglobulinemia (PMID: 12204007, 30072168). It has also been observed to segregate with disease in related individuals. ClinVar contains an entry for this variant (Variation ID: 1075550). Invitae Evidence Modeling of protein sequence and biophysical properties (such as structural, functional, and spatial information, amino acid conservation, physicochemical variation, residue mobility, and thermodynamic stability) indicates that this missense variant is expected to disrupt BTK protein function with a positive predictive value of 95%. This variant disrupts the p.Arg28 amino acid residue in BTK. Other variant(s) that disrupt this residue have been determined to be pathogenic (PMID: 8162018, 18518992, 19904586, 30290665). This suggests that this residue is clinically significant, and that variants that disrupt this residue are likely to be disease-causing. For these reasons, this variant has been classified as Pathogenic.

Variantyx, Inc.
Classification: Likely pathogenic for X-linked agammaglobulinemia. Last evaluated: 2025-09-28. Review status: criteria provided, single submitter. Criteria: Variantyx Assertion Criteria 2022. Collection method: clinical testing. Allele origin: maternal. Inheritance: X-linked recessive inheritance.
Comment: This is a nonsynonymous variant in the BTK gene (OMIM: 300300). Pathogenic variants in this gene have been associated with X-linked agammaglobulinemia 1. This variant has been reported in at least 2 affected individuals (PMID: 30072168) (PS4), and is absent from control populations (PM2). Alternate amino acid changes at this position (p.Arg28His, p.Arg28Cys) have been previously reported in similarly affected individuals, which suggests that this residue is biologically important (PMID: 8162018, 18518992, 19904586, 30290665) (PM5), and multiple computational algorithms predict a deleterious effect (REVEL score: 0.968) (PP3).Based on the current evidence, this variant is classified as likely pathogenic for X-linked agammaglobulinemia 1.

Literature cited by the submitters: PubMed 12204007 (cited by Labcorp Genetics (formerly Invitae), Labcorp); PubMed 30072168 (cited by Labcorp Genetics (formerly Invitae), Labcorp and Variantyx, Inc.); PubMed 8162018 (cited by Labcorp Genetics (formerly Invitae), Labcorp and Variantyx, Inc.); PubMed 18518992 (cited by Labcorp Genetics (formerly Invitae), Labcorp and Variantyx, Inc.); PubMed 19904586 (cited by Labcorp Genetics (formerly Invitae), Labcorp and Variantyx, Inc.); PubMed 30290665 (cited by Labcorp Genetics (formerly Invitae), Labcorp and Variantyx, Inc.).